The following is an entry in ClinVar:

ClinVar aggregate classification (germline): Uncertain significance (1 of 4 stars; one submission).

Submission:

GeneDx
Classification: Uncertain significance. Last evaluated: 2021-06-29. Review status: criteria provided, single submitter. Criteria: GeneDx Variant Classification Process June 2021. Collection method: clinical testing. Allele origin: germline. Affected: yes.
Comment: Has not been previously published as pathogenic or benign to our knowledge; Not observed at significant frequency in large population cohorts (Lek et al., 2016); In silico analysis supports that this missense variant has a deleterious effect on protein structure/function; This variant is associated with the following publications: (PMID: 27535533)

NM_001127222.2(CACNA1A):c.5659G>T (p.Asp1887Tyr)

Gene: CACNA1A (calcium voltage-gated channel subunit alpha1 A; minus strand). Cytogenetic location: 19p13.13.
Variant type: single nucleotide variant.
Coding change: c.5659G>T on transcript NM_001127222.2 (MANE Select); coding-DNA position 5659, G replaced by T.
Protein change: p.Asp1887Tyr; replaces aspartic acid 1887 with tyrosine.
Molecular consequence: missense variant.
Genome position (GRCh38, 1-based): chr19:13,224,739, C>A on the plus strand (G>T on the coding strand, the complement: CACNA1A is on the minus strand). VCF-style: chr19-13224739-C-A. GRCh37 (hg19) VCF-style: chr19-13335553-C-A.
Other names: c.5677G>T, p.Asp1893Tyr (NM_000068.4, NM_023035.3); c.5662G>T, p.Asp1888Tyr (NM_001127221.2); c.5668G>T, p.Asp1890Tyr (NM_001174080.2); short protein forms D1887Y, D1888Y, D1890Y, D1893Y.
Identifiers: ClinVar variation 1331224 (VCV001331224.2), dbSNP rs2144595137, ClinGen allele CA404337154.